The following is an entry in ClinVar:

ClinVar aggregate classification (germline): Uncertain significance. Review status: criteria provided, multiple submitters, no conflicts (2 of 4 stars). 2 submissions from 2 submitters: Uncertain significance (2). Last evaluated 2024-11-08.

Conditions:
Inborn genetic diseases. Identifiers: MedGen C0950123, MeSH D030342.
Glutamate formiminotransferase deficiency. Also called: Arakawa syndrome 1; Formiminoglutamic aciduria. Identifiers: Orphanet 51208, MedGen C0268609, MONDO:0009240, OMIM 229100.

Allele frequency attached by ClinVar (database versions not stated): TOPMed 0.00006.
gnomAD v4.1: 170 of 1,495,228 alleles (0.011%); highest among the groups gnomAD compares: Non-Finnish European, 0.012%; no homozygotes.

Submissions (2):

Ambry Genetics
Classification: Uncertain significance for Inborn genetic diseases. Last evaluated: 2024-11-08. Review status: criteria provided, single submitter. Criteria: Ambry Variant Classification Scheme 2023. Collection method: clinical testing. Allele origin: germline.

Labcorp Genetics (formerly Invitae), Labcorp
Classification: Uncertain significance for Glutamate formiminotransferase deficiency. Last evaluated: 2024-10-23. Review status: criteria provided, single submitter. Criteria: Invitae Variant Classification Sherloc (09022015). Collection method: clinical testing. Allele origin: germline.
Comment: This sequence change replaces serine, which is neutral and polar, with tyrosine, which is neutral and polar, at codon 339 of the FTCD protein (p.Ser339Tyr). This variant is present in population databases (rs775567630, gnomAD 0.07%). This variant has not been reported in the literature in individuals affected with FTCD-related conditions. ClinVar contains an entry for this variant (Variation ID: 1021953). Invitae Evidence Modeling of protein sequence and biophysical properties (such as structural, functional, and spatial information, amino acid conservation, physicochemical variation, residue mobility, and thermodynamic stability) indicates that this missense variant is expected to disrupt FTCD protein function with a positive predictive value of 80%. In summary, the available evidence is currently insufficient to determine the role of this variant in disease. Therefore, it has been classified as a Variant of Uncertain Significance.

NM_206965.2(FTCD):c.1016C>A (p.Ser339Tyr)

Gene: FTCD (formimidoyltransferase cyclodeaminase; minus strand). Cytogenetic location: 21q22.3.
Variant type: single nucleotide variant.
Coding change: c.1016C>A on transcript NM_206965.2 (MANE Select); coding-DNA position 1016, C replaced by A.
Protein change: p.Ser339Tyr; replaces serine 339 with tyrosine.
Molecular consequence: missense variant.
Genome position (GRCh38, 1-based): chr21:46,145,900, G>T on the plus strand (C>A on the coding strand, the complement: FTCD is on the minus strand). VCF-style: chr21-46145900-G-T. GRCh37 (hg19) VCF-style: chr21-47565814-G-T.
Other names: c.1016C>A, p.Ser339Tyr (NM_001320412.2, NM_006657.3); c.1016C>A (NM_006657.2); short protein forms S339Y.
Identifiers: ClinVar variation 1021953 (VCV001021953.6), dbSNP rs775567630, ClinGen allele CA10073622.